The following is an entry in ClinVar:

NM_001946.4(DUSP6):c.900_901delinsTT (p.Val301Phe)

Genes: DUSP6 (dual specificity phosphatase 6; minus strand), POC1B-DUSP6 (POC1B-DUSP6 readthrough; minus strand). Cytogenetic location: 12q21.33.
Variant type: Indel.
Coding change: c.900_901delinsTT on transcript NM_001946.4 (MANE Select); coding-DNA positions 900 to 901, AG replaced by TT.
Protein change: p.Val301Phe; replaces valine 301 with phenylalanine.
Molecular consequence: missense variant. On other transcripts: non-coding transcript variant (3).
Genome position (GRCh38, 1-based): chr12:89,349,499-89,349,500, CT replaced by AA on the plus strand (AG replaced by TT on the coding strand, the reverse complement: DUSP6 is on the minus strand). VCF-style: chr12-89349499-CT-AA. GRCh37 (hg19) VCF-style: chr12-89743276-CT-AA.
Other names: c.1175_1176delinsTT, p.Gln392Leu (NM_001425794.1); c.1094_1095delinsTT, p.Gln365Leu (NM_001425795.1); c.704_705delinsTT, p.Gln235Leu (NM_001425796.1); c.462_463delinsTT, p.Val155Phe (NM_022652.4); short protein forms Q235L, Q365L, Q392L, V155F, V301F.
Identifiers: ClinVar variation 4535743 (VCV004535743.1).

ClinVar aggregate classification (germline): Uncertain significance (1 of 4 stars; one submission).

Submission:

Women's Health and Genetics/Laboratory Corporation of America, LabCorp
Classification: Uncertain significance. Last evaluated: 2025-09-05. Review status: criteria provided, single submitter. Criteria: LabCorp Variant Classification Summary - May 2015. Collection method: clinical testing. Allele origin: germline.
Comment: Variant summary: DUSP6 c.900_901delinsTT (p.Val301Phe) results in a non-conservative amino acid change in the encoded protein sequence. Algorithms developed to predict the effect of missense changes on protein structure and function all suggest that this variant is likely to be disruptive. The variant was absent in 1614130 control chromosomes. The available data on variant occurrences in the general population are insufficient to allow any conclusion about variant significance. To our knowledge, no occurrence of c.900_901delinsTT in individuals affected with DUSP6-related conditions and no experimental evidence demonstrating its impact on protein function have been reported. No submitters have cited clinical-significance assessments for this variant to ClinVar. Based on the evidence outlined above, the variant was classified as uncertain significance.